The following is an entry in ClinVar:

NM_002253.4(KDR):c.3289G>A (p.Glu1097Lys)

Gene: KDR (kinase insert domain receptor; minus strand). Cytogenetic location: 4q12.
Variant type: single nucleotide variant.
Coding change: c.3289G>A on transcript NM_002253.4 (MANE Select); coding-DNA position 3289, G replaced by A.
Protein change: p.Glu1097Lys; replaces glutamic acid 1097 with lysine.
Molecular consequence: missense variant.
Genome position (GRCh38, 1-based): chr4:55,089,706, C>T on the plus strand (G>A on the coding strand, the complement: KDR is on the minus strand). VCF-style: chr4-55089706-C-T. GRCh37 (hg19) VCF-style: chr4-55955873-C-T.
Other names: short protein forms E1097K.
Identifiers: ClinVar variation 4530515 (VCV004530515.1).
Genomic context (GRCh38, chr4:55,089,706, plus strand): 5'-TTCCTCTTTGGAGTCTGGATGGAAGGACAAAAAGAAATGACTTACCTAAGGAAAATATTT[C>T]CCACAGCAAAACACCAAAAGACCAGACGTCACTCTGGATTGTGTACACTCTGTCAAAAAT-3'
Protein context (NP_002244.1, residues 1087-1107): DVWSFGVLLW[Glu1097Lys]IFSLGASPYP

ClinVar aggregate classification (somatic clinical impact): Tier II - Potential (1 of 4 stars; one submission).

Conditions:
Melanoma. Identifiers: MedGen C0025202, MeSH D008545, MONDO:0005105, HP:0002861.

Submission:

Institute for Genomic Medicine (IGM) Clinical Laboratory, Nationwide Children's Hospital
Classification: Tier II - Potential for Melanoma. Assertion type: diagnostic. Clinical significance: supports diagnosis. Last evaluated: 2024-10-18. Review status: criteria provided, single submitter. Criteria: AMP/ASCO/CAP Guidelines, 2017. Collection method: clinical testing. Allele origin: somatic. Affected: yes.
Comment: Variant has Tier II (potential) clinical significance as a diagnostic inclusion criterion in melanoma, based on the following evidence: 1) Documented in one or more cancer databases (e.g., St. Jude Pecan, COSMIC, CIViC, OncoKB). 2) Assists in diagnosis alone or along with other biomarkers based on small studies or few case reports (Evidence Level D; PMIDs: 25268584, 30178487, 25148578, 32913971, 28467829).

Literature cited by the submitters: PubMed 25268584; PubMed 30178487; PubMed 25148578; PubMed 32913971; PubMed 28467829.